The following is an entry in ClinVar:

Conditions:
Breast-ovarian cancer, familial, susceptibility to, 1 (BROVCA1). Also called: BRCA1 Hereditary Breast and Ovarian Cancer; OVARIAN CANCER, SUSCEPTIBILITY TO. Identifiers: Orphanet 145, MedGen C2676676, MONDO:0011450, OMIM 604370. Disease mechanism: loss of function.

Submission:

Brotman Baty Institute, University of Washington
No classification provided (evidence only). Condition: Breast-ovarian cancer, familial 1. Review status: no classification provided. Collection method: in vitro. Allele origin: not applicable. Functional consequence: functionally_normal.
ClinVar note: "not provided" was previously submitted as the classification for the variant. However, the classification appeared to be based only on an observation of functional data so it was converted to no classification on 2025-07-30.

NM_007294.4(BRCA1):c.5332+10T>A

Gene: BRCA1 (BRCA1 DNA repair associated; minus strand). Cytogenetic location: 17q21.31.
Variant type: single nucleotide variant.
Coding change: c.5332+10T>A on transcript NM_007294.4 (MANE Select); 10 bases into the intron after coding-DNA position 5332, T replaced by A.
Molecular consequence: intron variant.
Genome position (GRCh38, 1-based): chr17:43,051,053, A>T on the plus strand (T>A on the coding strand, the complement: BRCA1 is on the minus strand). VCF-style: chr17-43051053-A-T. GRCh37 (hg19) VCF-style: chr17-41203070-A-T.
Other names: c.1879+10T>A (NM_001408458.1, NM_001408461.1, NM_001408464.1 and 7 more transcripts); c.4441+10T>A (NM_001407967.1); c.4951+10T>A (NM_001407959.1); c.5065+10T>A (NM_001407931.1, NM_001407932.1, NM_001407928.1 and 4 more transcripts); c.5188+10T>A (NM_001407747.1, NM_001407745.1, NM_001407737.1 and 21 more transcripts); c.4948+10T>A (NM_001407962.1, NM_001407960.1); c.1519+10T>A (NM_001408512.1); c.1642+10T>A (NM_001408510.1); and 74 more.
Identifiers: ClinVar variation 868003 (VCV000868003.3), dbSNP rs2051192582, ClinGen allele CA916081008.